The following is an entry in ClinVar:

ClinVar aggregate classification (germline): Uncertain significance (1 of 4 stars; one submission).

Conditions:
KBG syndrome (KBGS). Also called: ANKRD11-Related KBG Syndrome. Identifiers: Orphanet 2332, MedGen C0220687, MONDO:0007846, OMIM 148050.

Submission:

Labcorp Genetics (formerly Invitae), Labcorp
Classification: Uncertain significance for KBG syndrome. Last evaluated: 2023-07-22. Review status: criteria provided, single submitter. Criteria: Invitae Variant Classification Sherloc (09022015). Collection method: clinical testing. Allele origin: germline.
Comment: This sequence change replaces aspartic acid, which is acidic and polar, with glycine, which is neutral and non-polar, at codon 1471 of the ANKRD11 protein (p.Asp1471Gly). This variant is not present in population databases (gnomAD no frequency). This variant has not been reported in the literature in individuals affected with ANKRD11-related conditions. Advanced modeling of protein sequence and biophysical properties (such as structural, functional, and spatial information, amino acid conservation, physicochemical variation, residue mobility, and thermodynamic stability) performed at Invitae indicates that this missense variant is not expected to disrupt ANKRD11 protein function. In summary, the available evidence is currently insufficient to determine the role of this variant in disease. Therefore, it has been classified as a Variant of Uncertain Significance.

NM_013275.6(ANKRD11):c.4412A>G (p.Asp1471Gly)

Gene: ANKRD11 (ankyrin repeat domain 11; minus strand). Cytogenetic location: 16q24.3.
Variant type: single nucleotide variant.
Coding change: c.4412A>G on transcript NM_013275.6 (MANE Select); coding-DNA position 4412, A replaced by G.
Protein change: p.Asp1471Gly; replaces aspartic acid 1471 with glycine.
Molecular consequence: missense variant.
Genome position (GRCh38, 1-based): chr16:89,282,130, T>C on the plus strand (A>G on the coding strand, the complement: ANKRD11 is on the minus strand). VCF-style: chr16-89282130-T-C. GRCh37 (hg19) VCF-style: chr16-89348538-T-C.
Other names: c.4412A>G, p.Asp1471Gly (NM_001256182.2, NM_001256183.2); short protein forms D1471G.
Identifiers: ClinVar variation 2886902 (VCV002886902.3), dbSNP rs2544232902, ClinGen allele CA397157622.